The following is an entry in ClinVar:

ClinVar aggregate classification (germline): Uncertain significance (1 of 4 stars; one submission).

Conditions:
Juvenile polyposis syndrome (JPS). Identifiers: Orphanet 2929, MedGen C0345893, MONDO:0017380, OMIM 174900.

Submission:

Labcorp Genetics (formerly Invitae), Labcorp
Classification: Uncertain significance for Juvenile polyposis syndrome. Last evaluated: 2025-03-02. Review status: criteria provided, single submitter. Criteria: Invitae Variant Classification Sherloc (09022015). Collection method: clinical testing. Allele origin: germline.
Comment: This sequence change replaces arginine, which is basic and polar, with lysine, which is basic and polar, at codon 416 of the SMAD4 protein (p.Arg416Lys). This variant is not present in population databases (gnomAD no frequency). This variant has not been reported in the literature in individuals affected with SMAD4-related conditions. Invitae Evidence Modeling of protein sequence and biophysical properties (such as structural, functional, and spatial information, amino acid conservation, physicochemical variation, residue mobility, and thermodynamic stability) has been performed for this missense variant. However, the output from this modeling did not meet the statistical confidence thresholds required to predict the impact of this variant on SMAD4 protein function. In summary, the available evidence is currently insufficient to determine the role of this variant in disease. Therefore, it has been classified as a Variant of Uncertain Significance.

NM_005359.6(SMAD4):c.1247G>A (p.Arg416Lys)

Gene: SMAD4 (SMAD family member 4; plus strand). Cytogenetic location: 18q21.2.
Variant type: single nucleotide variant.
Coding change: c.1247G>A on transcript NM_005359.6 (MANE Select); coding-DNA position 1247, G replaced by A.
Protein change: p.Arg416Lys; replaces arginine 416 with lysine.
Molecular consequence: missense variant. On other transcripts: non-coding transcript variant (1).
Genome position (GRCh38, 1-based): chr18:51,067,126, G>A. VCF-style: chr18-51067126-G-A. GRCh37 (hg19) VCF-style: chr18-48593496-G-A.
Other names: c.1247G>A, p.Arg416Lys (NM_001407041.1, NM_001407042.1); short protein forms R416K.
Identifiers: ClinVar variation 4803031 (VCV004803031.1).